The following is an entry in ClinVar:

NM_181426.2(CCDC39):c.396G>A (p.Leu132=)

Gene: CCDC39 (coiled-coil domain 39 molecular ruler complex subunit; minus strand). Cytogenetic location: 3q26.33.
Variant type: single nucleotide variant.
Coding change: c.396G>A on transcript NM_181426.2 (MANE Select); coding-DNA position 396, G replaced by A.
Protein change: p.Leu132=; no amino-acid change (leucine 132 retained).
Molecular consequence: synonymous variant.
Genome position (GRCh38, 1-based): chr3:180,660,690, C>T on the plus strand (G>A on the coding strand, the complement: CCDC39 is on the minus strand). VCF-style: chr3-180660690-C-T. GRCh37 (hg19) VCF-style: chr3-180378478-C-T.
Identifiers: ClinVar variation 344279 (VCV000344279.18), dbSNP rs201923286, ClinGen allele CA2716180.
Genomic context (GRCh38, chr3:180,660,690, plus strand): 5'-ATGAGCTGATTCTTCTAACCAGGCCTCCAATGCTTGCTGGTCCCAGTTCATTTGACATTT[C>T]AAACCATCCAATTTTTGAGTGGCTTTAAATATGCCATTCTAATTTCCAAAGAGAGAGAGA-3'
Protein context (NP_852091.1, residues 122-142): IFKATQKLDG[Leu132=]KCQMNWDQQA

ClinVar aggregate classification (germline): Conflicting classifications of pathogenicity. Review status: criteria provided, conflicting classifications (1 of 4 stars). 5 submissions from 5 submitters: Uncertain significance (1); Likely benign (4). Last evaluated 2026-04-01.

Conditions:
Primary ciliary dyskinesia. Also called: Ciliary dyskinesia. Identifiers: Orphanet 244, MedGen C0008780, MONDO:0016575, HP:0012265.
Primary ciliary dyskinesia 14. Also called: CILIARY DYSKINESIA, PRIMARY, 14, WITH OR WITHOUT SITUS INVERSUS. Identifiers: Orphanet 244, MedGen C3151136, MONDO:0013434, OMIM 613807.

Allele frequency attached by ClinVar (database versions not stated): gnomAD exomes 0.00007 and 0.00021; gnomAD 0.00013; 1000 Genomes Project 30x 0.00016; TOPMed 0.00016; 1000 Genomes Project 0.00020; ExAC 0.00030.
gnomAD v4.1: 125 of 1,602,524 alleles (0.0078%); highest among the groups gnomAD compares: Admixed American, 0.056%; no homozygotes.

Submissions (5):

CeGaT Center for Human Genetics Tuebingen
Classification: Likely benign. Last evaluated: 2026-04-01. Review status: criteria provided, single submitter. Criteria: CeGaT Center For Human Genetics Tuebingen Variant Classification Criteria Version 2. Collection method: clinical testing. Allele origin: germline. Affected: yes. Observed: 1 variant allele.
Comment: CCDC39: BP4, BP7

Labcorp Genetics (formerly Invitae), Labcorp
Classification: Likely benign for Primary ciliary dyskinesia. Last evaluated: 2025-11-08. Review status: criteria provided, single submitter. Criteria: Invitae Variant Classification Sherloc (09022015). Collection method: clinical testing. Allele origin: germline.

Blueprint Genetics
Classification: Likely benign. Last evaluated: 2024-08-06. Review status: criteria provided, single submitter. Criteria: ACMG Guidelines, 2015. Collection method: clinical testing. Allele origin: germline.

Ambry Genetics
Classification: Likely benign for Primary ciliary dyskinesia. Last evaluated: 2020-03-09. Review status: criteria provided, single submitter. Criteria: Ambry Variant Classification Scheme 2023. Collection method: clinical testing. Allele origin: germline.

Illumina Laboratory Services, Illumina
Classification: Uncertain significance for Primary ciliary dyskinesia 14. Last evaluated: 2018-01-13. Review status: criteria provided, single submitter. Criteria: ICSL Variant Classification Criteria 13 December 2019. Collection method: clinical testing. Allele origin: germline.